The following is an entry in ClinVar:

ClinVar aggregate classification (germline): Likely benign. Review status: criteria provided, multiple submitters, no conflicts (2 of 4 stars). 4 submissions from 4 submitters: Likely benign (4). Last evaluated 2025-06-01.

Conditions:
Cardiovascular phenotype. Identifiers: MedGen CN230736.
RASopathy. Also called: rasopathies; Noonan spectrum disorder. Identifiers: Orphanet 536391, MedGen C5555857, MONDO:0021060.

Allele frequency attached by ClinVar (database versions not stated): gnomAD exomes 0.00001.
gnomAD v4.1: 4 of 1,565,910 alleles (0.00026%); highest among the groups gnomAD compares: South Asian, 0.0035%; no homozygotes.

Submissions (4):

CeGaT Center for Human Genetics Tuebingen
Classification: Likely benign. Last evaluated: 2025-06-01. Review status: criteria provided, single submitter. Criteria: CeGaT Center For Human Genetics Tuebingen Variant Classification Criteria Version 2. Collection method: clinical testing. Allele origin: germline. Affected: yes. Observed: 1 variant allele.
Comment: MAP2K1: BP4, BP7

Ambry Genetics
Classification: Likely benign for Cardiovascular phenotype. Last evaluated: 2025-01-28. Review status: criteria provided, single submitter. Criteria: Ambry Variant Classification Scheme 2023. Collection method: clinical testing. Allele origin: germline.

Labcorp Genetics (formerly Invitae), Labcorp
Classification: Likely benign for RASopathy. Last evaluated: 2022-04-07. Review status: criteria provided, single submitter. Criteria: Invitae Variant Classification Sherloc (09022015). Collection method: clinical testing. Allele origin: germline.

Laboratory for Molecular Medicine, Mass General Brigham Personalized Medicine
Classification: Likely benign. Last evaluated: 2015-03-12. Review status: criteria provided, single submitter. Criteria: LMM Criteria. Collection method: clinical testing. Allele origin: germline. Observed: 1 variant allele.
Comment: p.Pro13Pro in exon 1 of MAP2K1: This variant is not expected to have clinical si gnificance because it does not alter an amino acid residue and is not located wi thin the splice consensus sequence.

NM_002755.4(MAP2K1):c.39G>A (p.Pro13=)

Gene: MAP2K1 (mitogen-activated protein kinase kinase 1; plus strand). Cytogenetic location: 15q22.31.
Variant type: single nucleotide variant.
Coding change: c.39G>A on transcript NM_002755.4 (MANE Select); coding-DNA position 39, G replaced by A.
Protein change: p.Pro13=; no amino-acid change (proline 13 retained).
Molecular consequence: synonymous variant.
Genome position (GRCh38, 1-based): chr15:66,387,386, G>A. VCF-style: chr15-66387386-G-A. GRCh37 (hg19) VCF-style: chr15-66679724-G-A.
Identifiers: ClinVar variation 227537 (VCV000227537.19), dbSNP rs876657503, ClinGen allele CA10576998.